The following is an entry in ClinVar:

NM_001384479.1(AGT):c.-31+1130G>A

Gene: AGT (angiotensinogen; minus strand). Cytogenetic location: 1q42.2.
Variant type: single nucleotide variant.
Coding change: c.-31+1130G>A on transcript NM_001384479.1 (MANE Select); 1130 bases into the intron after 31 bases upstream of the start codon, G replaced by A.
Molecular consequence: intron variant.
Genome position (GRCh38, 1-based): chr1:230,712,956, C>T on the plus strand (G>A on the coding strand, the complement: AGT is on the minus strand). VCF-style: chr1-230712956-C-T. GRCh37 (hg19) VCF-style: chr1-230848702-C-T.
Other names: c.-30-2103G>A (NM_001382817.3).
Identifiers: ClinVar variation 1258430 (VCV001258430.2), dbSNP rs2004776, ClinGen allele CA10755146.
Genomic context (GRCh38, chr1:230,712,956, plus strand): 5'-GCACCTGCCCCTTCTATGTCTCCCTACTTCTCCCGGGCTGAATGCTAAAGGTGAAGATGA[C>T]GGCTCATGCTCCTGTGGTGCCTGCCATTTGCAGGGCACTGTTCTCATATCAACCCCTCTG-3'

ClinVar aggregate classification (germline): Benign (1 of 4 stars; one submission).

Allele frequency attached by ClinVar (database versions not stated): TOPMed 0.34198; 1000 Genomes Project 30x 0.40256; 1000 Genomes Project 0.41014.
gnomAD v4.1: 48,993 of 151,948 alleles (32%); highest among the groups gnomAD compares: East Asian, 58%; 9,007 homozygotes.

Submission:

GeneDx
Classification: Benign. Last evaluated: 2020-02-17. Review status: criteria provided, single submitter. Criteria: GeneDx Variant Classification Process June 2021. Collection method: clinical testing. Allele origin: germline. Affected: yes.
Comment: This variant is associated with the following publications: (PMID: 31201268)